The following is an entry in ClinVar:

NM_000419.5(ITGA2B):c.480C>G (p.Ser160Arg)

Gene: ITGA2B (integrin subunit alpha 2b; minus strand). Cytogenetic location: 17q21.31.
Variant type: single nucleotide variant.
Coding change: c.480C>G on transcript NM_000419.5 (MANE Select); coding-DNA position 480, C replaced by G.
Protein change: p.Ser160Arg; replaces serine 160 with arginine.
Molecular consequence: missense variant.
Genome position (GRCh38, 1-based): chr17:44,385,645, G>C on the plus strand (C>G on the coding strand, the complement: ITGA2B is on the minus strand). VCF-style: chr17-44385645-G-C. GRCh37 (hg19) VCF-style: chr17-42463013-G-C.
Other names: short protein forms S160R.
Identifiers: ClinVar variation 953024 (VCV000953024.8), dbSNP rs1279297832, ClinGen allele CA399805892.

ClinVar aggregate classification (germline): Likely pathogenic. Review status: reviewed by expert panel (3 of 4 stars). 3 submissions from 3 submitters: Likely pathogenic (1). 2 of the submissions do not count toward it. Last evaluated 2023-06-01.

Conditions:
Glanzmann thrombasthenia. Also called: Thrombasthenia; PLATELET GLYCOPROTEIN IIb-IIIa DEFICIENCY; THROMBASTHENIA OF GLANZMANN AND NAEGELI; Glanzmann's thrombasthenia. Identifiers: Orphanet 849, MedGen C0040015, MONDO:0100326.
Glanzmann thrombasthenia 1 (GT1). Also called: GP IIb-IIIa COMPLEX DEFICIENCY; GLYCOPROTEIN COMPLEX IIb-IIIa DEFICIENCY; PLATELET FIBRINOGEN RECEPTOR DEFICIENCY; BLEEDING DISORDER, PLATELET-TYPE, 2. Identifiers: MedGen CN300358, MONDO:0031332, OMIM 273800.

Allele frequency attached by ClinVar (database versions not stated): gnomAD exomes below 0.00001.
gnomAD v4.1: 2 of 1,613,608 alleles (0.00012%); highest among the groups gnomAD compares: East Asian, 0.0045%; no homozygotes.

Submissions (3):

ClinGen Platelet Disorders Variant Curation Expert Panel, ClinGen
Classification: Likely pathogenic for Glanzmann thrombasthenia. Last evaluated: 2023-06-01. Review status: reviewed by expert panel. Criteria: ClinGen Platelet ACMG Specifications v2-1. Collection method: curation. Allele origin: germline. Inheritance: Autosomal recessive inheritance.
Comment: The NM_000419.5(ITGA2B):c.480C>G variant causes a missense change, Ser160Arg, that predicted to have a damaging impact on splicing, SpliceAI predicts activation of an exonic cryptic acceptor site (score 0.76; PP3) with could cause loss of 33 amino acids. PMID: 9215749 reports that this results in the in-frame deletion of Ser160_Ser192 in exon 4 (PM4). It is reported in 3 compound heterozygous individuals (PMID: 9215749, 28232155, 32237906) including in trans with c.1545-1del (classified as pathogenic by the Platelet Disorders VCEP) from PMID: 32237906, as well as one homozygote in an online resource (PM3). At least two of the probands meet the criteria for PP4_moderate, including mucocutaneous bleeding and impaired aggregation with all agonists except ristocetin (PMIDs: 32237906 and 28232155). In summary, this variant meets the criteria to be classified as Likely Pathogenic for autosomal recessive Glanzmann Thrombasthenia based on the ACMG/AMP criteria applied, as specified by the ClinGen PD VCEP: PP4_moderate, PM2_supporting, PM3, PP3, PM4. (VCEP specifications version 2).

ISTH-SSC Genomics in Thrombosis and Hemostasis, KU Leuven, Center for Molecular and Vascular Biology
Classification: Likely pathogenic for Glanzmann thrombasthenia 1. Review status: criteria provided, single submitter. Criteria: ACMG Guidelines, 2015. Collection method: clinical testing. Allele origin: germline. Affected: yes. Observed: 1 homozygote. Not counted in ClinVar's aggregate classification.
Comment: Submitted to GoldVariant by Jose María Bastida and José Rivera; Grupo Español de Alteraciones Plaquetarias Congénitas (GEAPC)

Juno Genomics, Hangzhou Juno Genomics, Inc
Classification: Likely pathogenic for Glanzmann thrombasthenia 1. Review status: criteria provided, single submitter. Criteria: ACMG Guidelines, 2015. Collection method: clinical testing. Allele origin: germline. Not counted in ClinVar's aggregate classification.
Comment: Absent from controls (or at extremely low frequency if recessive) in Genome Aggregation Database.;Multiple lines of computational evidence support a deleterious effect on the gene or gene product.;Protein length changes due to in-frame deletions/insertions in a non-repeat region or stop-loss variants.;For recessive disorders, detected in trans with a pathogenic variant.;Patient's phenotype or family history is highly specific for a disease with a single genetic etiology.

Literature cited by the submitters: PubMed 28232155 (cited by ISTH-SSC Genomics in Thrombosis and Hemostasis, KU Leuven, Center for Molecular and Vascular Biology).